The following is an entry in ClinVar:

NM_001042492.3(NF1):c.239A>T (p.Tyr80Phe)

Gene: NF1 (neurofibromin 1; plus strand). Cytogenetic location: 17q11.2.
Variant type: single nucleotide variant.
Coding change: c.239A>T on transcript NM_001042492.3 (MANE Select); coding-DNA position 239, A replaced by T.
Protein change: p.Tyr80Phe; replaces tyrosine 80 with phenylalanine.
Molecular consequence: missense variant.
Genome position (GRCh38, 1-based): chr17:31,159,044, A>T. VCF-style: chr17-31159044-A-T. GRCh37 (hg19) VCF-style: chr17-29486062-A-T.
Other names: c.239A>T, p.Tyr80Phe (NM_000267.4, NM_001128147.3); short protein forms Y80F.
Identifiers: ClinVar variation 1316878 (VCV001316878.2), dbSNP rs4795581, ClinGen allele CA8485508.

ClinVar aggregate classification (germline): Uncertain significance (1 of 4 stars; one submission).

gnomAD v4.1: 2 of 1,609,122 alleles (0.00012%); highest among the groups gnomAD compares: South Asian, 0.0022%; no homozygotes.

Submission:

GeneDx
Classification: Uncertain significance. Last evaluated: 2020-01-23. Review status: criteria provided, single submitter. Criteria: GeneDx Variant Classification Process June 2021. Collection method: clinical testing. Allele origin: germline. Affected: yes.
Comment: Has not been previously published as pathogenic or benign to our knowledge; While protein-based in silico analysis supports that this variant does not alter protein structure/function, splice predictors suggest this variant may impact gene splicing. In the absence of RNA or functional studies, the actual effect of this sequence change is unknown.